The following is an entry in ClinVar:

NM_001271938.2(MEGF8):c.5176C>A (p.Arg1726=)

Gene: MEGF8 (multiple EGF like domains 8; plus strand). Cytogenetic location: 19q13.2.
Variant type: single nucleotide variant.
Coding change: c.5176C>A on transcript NM_001271938.2 (MANE Select); coding-DNA position 5176, C replaced by A.
Protein change: p.Arg1726=; no amino-acid change (arginine 1726 retained).
Molecular consequence: synonymous variant.
Genome position (GRCh38, 1-based): chr19:42,358,787, C>A. VCF-style: chr19-42358787-C-A. GRCh37 (hg19) VCF-style: chr19-42862939-C-A.
Other names: c.4975C>A, p.Arg1659= (NM_001410.3).
Identifiers: ClinVar variation 4084997 (VCV004084997.8).
Genomic context (GRCh38, chr19:42,358,787, plus strand): 5'-GGGGGCTAGAAGCAAGAGACTCGAGGAGCCTCAACCCCAGGACGCCCCCACTGTCACTAG[C>A]GAGATCGTATGAGGAATGTGCGTGGCTCATCTCGGGGTCTGGGCCAAGTTCCTGGGGAGC-3'
Protein context (NP_001258867.1, residues 1716-1736): SLLAPSQGAK[Arg1726=]DRMRNVRGSS

ClinVar aggregate classification (germline): Likely benign (1 of 4 stars; one submission).

gnomAD v4.1: 5 of 1,540,652 alleles (0.00032%); highest among the groups gnomAD compares: Non-Finnish European, 0.00035%; no homozygotes.

Submission:

CeGaT Center for Human Genetics Tuebingen
Classification: Likely benign. Last evaluated: 2025-06-01. Review status: criteria provided, single submitter. Criteria: CeGaT Center For Human Genetics Tuebingen Variant Classification Criteria Version 2. Collection method: clinical testing. Allele origin: germline. Affected: yes. Observed: 1 variant allele.
Comment: MEGF8: BP4, BP7